The following is an entry in ClinVar:

NM_030928.4(CDT1):c.1096C>T (p.Arg366Trp)

Gene: CDT1 (chromatin licensing and DNA replication factor 1; plus strand). Cytogenetic location: 16q24.3.
Variant type: single nucleotide variant.
Coding change: c.1096C>T on transcript NM_030928.4 (MANE Select); coding-DNA position 1096, C replaced by T.
Protein change: p.Arg366Trp; replaces arginine 366 with tryptophan.
Molecular consequence: missense variant.
Genome position (GRCh38, 1-based): chr16:88,806,648, C>T. VCF-style: chr16-88806648-C-T. GRCh37 (hg19) VCF-style: chr16-88873056-C-T.
Other names: c.1096C>T (NM_030928.3); short protein forms R366W.
Identifiers: ClinVar variation 2174557 (VCV002174557.4), dbSNP rs781400118, ClinGen allele CA8233974.

ClinVar aggregate classification (germline): Uncertain significance. Review status: criteria provided, multiple submitters, no conflicts (2 of 4 stars). 2 submissions from 2 submitters: Uncertain significance (2). Last evaluated 2025-12-08.

Conditions:
Inborn genetic diseases. Identifiers: MedGen C0950123, MeSH D030342.

Allele frequency attached by ClinVar (database versions not stated): TOPMed below 0.00001; ExAC 0.00001.

Submissions (2):

Ambry Genetics
Classification: Uncertain significance for Inborn genetic diseases. Last evaluated: 2025-12-08. Review status: criteria provided, single submitter. Criteria: Ambry Variant Classification Scheme 2023. Collection method: clinical testing. Allele origin: germline.

Labcorp Genetics (formerly Invitae), Labcorp
Classification: Uncertain significance. Last evaluated: 2022-07-24. Review status: criteria provided, single submitter. Criteria: Invitae Variant Classification Sherloc (09022015). Collection method: clinical testing. Allele origin: germline.
Comment: This variant has not been reported in the literature in individuals affected with CDT1-related conditions. This variant is present in population databases (rs781400118, gnomAD 0.003%). This sequence change replaces arginine, which is basic and polar, with tryptophan, which is neutral and slightly polar, at codon 366 of the CDT1 protein (p.Arg366Trp). Algorithms developed to predict the effect of missense changes on protein structure and function are either unavailable or do not agree on the potential impact of this missense change (SIFT: "Deleterious"; PolyPhen-2: "Possibly Damaging"; Align-GVGD: "Class C0"). In summary, the available evidence is currently insufficient to determine the role of this variant in disease. Therefore, it has been classified as a Variant of Uncertain Significance.